The following is an entry in ClinVar:

ClinVar aggregate classification (germline): Uncertain significance. Review status: criteria provided, multiple submitters, no conflicts (2 of 4 stars). 7 submissions from 7 submitters: Uncertain significance (6). 1 of the submissions does not count toward it. Last evaluated 2026-08-01.

Conditions:
Medulloblastoma (MDB). Also called: Medulloblastoma, somatic; MEDULLOBLASTOMA PREDISPOSITION SYNDROME. Identifiers: Orphanet 616, MedGen C0025149, MeSH D008527, MONDO:0007959, OMIM 155255, HP:0002885.
Familial dysautonomia. Also called: HSAN III; FD. Identifiers: Orphanet 1764, MedGen C0013364, MONDO:0009131, OMIM 223900. Disease mechanism: loss of function.

Allele frequency attached by ClinVar (database versions not stated): TOPMed 0.00002; ESP Exome Variant Server 0.00008; 1000 Genomes Project 30x 0.00016.
gnomAD v4.1: 34 of 1,613,978 alleles (0.0021%); highest among the groups gnomAD compares: Middle Eastern, 0.017%; no homozygotes.

Submissions (7):

CeGaT Center for Human Genetics Tuebingen
Classification: Uncertain significance. Last evaluated: 2026-08-01. Review status: criteria provided, single submitter. Criteria: CeGaT Center For Human Genetics Tuebingen Variant Classification Criteria Version 2. Collection method: clinical testing. Allele origin: germline. Affected: yes. Observed: 1 variant allele.
Comment: ELP1: PM2, PM3:Supporting

St. Jude Molecular Pathology, St. Jude Children's Research Hospital
Classification: Uncertain significance for Medulloblastoma. Last evaluated: 2026-02-20. Review status: criteria provided, single submitter. Criteria: St. Jude Assertion Criteria 2020. Collection method: clinical testing. Allele origin: germline.
Comment: The ELP1 c.2908T>A p.(Leu970Met) missense change has a maximum subpopulation frequency of 0.0085% in gnomAD v2.1.1. The in silico tool REVEL is inconclusive about a pathogenic or benign effect of this variant on protein function, and functional studies have not been perf ormed. This variant has not been reported in individuals with a personal or family history of medulloblastoma. In summary, the evidence currently available is insufficient to determine the clinical significance of this variant. It has therefore been clas sified as of uncertain significance.

Labcorp Genetics (formerly Invitae), Labcorp
Classification: Uncertain significance. Last evaluated: 2026-01-27. Review status: criteria provided, single submitter. Criteria: Invitae Variant Classification Sherloc (09022015). Collection method: clinical testing. Allele origin: germline.
Comment: This sequence change replaces leucine, which is neutral and non-polar, with methionine, which is neutral and non-polar, at codon 970 of the ELP1 protein (p.Leu970Met). This variant is present in population databases (rs180931232, gnomAD 0.009%). This variant has not been reported in the literature in individuals affected with ELP1-related conditions. ClinVar contains an entry for this variant (Variation ID: 972490). Invitae Evidence Modeling of protein sequence and biophysical properties (such as structural, functional, and spatial information, amino acid conservation, physicochemical variation, residue mobility, and thermodynamic stability) indicates that this missense variant is not expected to disrupt ELP1 protein function with a negative predictive value of 80%. In summary, the available evidence is currently insufficient to determine the role of this variant in disease. Therefore, it has been classified as a Variant of Uncertain Significance.

Fulgent Genetics
Classification: Uncertain significance for Medulloblastoma; Familial dysautonomia. Last evaluated: 2024-02-07. Review status: criteria provided, single submitter. Criteria: ACMG Guidelines, 2015. Collection method: clinical testing. Allele origin: germline.

Women's Health and Genetics/Laboratory Corporation of America, LabCorp
Classification: Uncertain significance. Last evaluated: 2022-02-23. Review status: criteria provided, single submitter. Criteria: LabCorp Variant Classification Summary - May 2015. Collection method: clinical testing. Allele origin: germline.
Comment: Variant summary: IKBKAP c.2908T>A (p.Leu970Met) results in a conservative amino acid change in the encoded protein sequence. Three of five in-silico tools predict a damaging effect of the variant on protein function. The variant allele was found at a frequency of 2.4e-05 in 251272 control chromosomes. The available data on variant occurrences in the general population are insufficient to allow any conclusion about variant significance. To our knowledge, no occurrence of c.2908T>A in individuals affected with Familial Dysautonomia and no experimental evidence demonstrating its impact on protein function have been reported. Two clinical diagnostic laboratories have submitted clinical-significance assessments for this variant to ClinVar after 2014 without evidence for independent evaluation. All laboratories classified the variant as uncertain significance. Based on the evidence outlined above, the variant was classified as uncertain significance.

Ambry Genetics
Classification: Uncertain significance. Last evaluated: 2021-05-27. Review status: criteria provided, single submitter. Criteria: Ambry Variant Classification Scheme 2023. Collection method: clinical testing. Allele origin: germline.
Comment: The p.L970M variant (also known as c.2908T>A), located in coding exon 26 of the IKBKAP gene, results from a T to A substitution at nucleotide position 2908. The leucine at codon 970 is replaced by methionine, an amino acid with highly similar properties. This amino acid position is highly conserved in available vertebrate species. In addition, the in silico prediction for this alteration is inconclusive. Since supporting evidence is limited at this time, the clinical significance of this alteration remains unclear.

Natera, Inc.
Classification: Uncertain significance for Familial dysautonomia. Last evaluated: 2020-05-05. Review status: no assertion criteria provided. Collection method: clinical testing. Allele origin: germline. Not counted in ClinVar's aggregate classification.

NM_003640.5(ELP1):c.2908T>A (p.Leu970Met)

Gene: ELP1 (elongator acetyltransferase complex subunit 1; minus strand). Cytogenetic location: 9q31.3.
Variant type: single nucleotide variant.
Coding change: c.2908T>A on transcript NM_003640.5 (MANE Select); coding-DNA position 2908, T replaced by A.
Protein change: p.Leu970Met; replaces leucine 970 with methionine.
Molecular consequence: missense variant.
Genome position (GRCh38, 1-based): chr9:108,893,036, A>T on the plus strand (T>A on the coding strand, the complement: ELP1 is on the minus strand). VCF-style: chr9-108893036-A-T. GRCh37 (hg19) VCF-style: chr9-111655316-A-T.
Other names: c.2908T>A (NM_003640.4); c.2566T>A, p.Leu856Met (NM_001318360.2); c.1861T>A, p.Leu621Met (NM_001330749.2); short protein forms L856M, L621M, L970M.
Identifiers: ClinVar variation 972490 (VCV000972490.12), dbSNP rs180931232, ClinGen allele CA5174498.
Genomic context (GRCh38, chr9:108,893,036, plus strand): 5'-TACCACATACCTGGTACTGTTGTGAGCTTGGTGAATATAACTTCAGAGCTTCGTTATACA[A>T]GTTTTTATCTTTTATCAAGTTTAAGCATTCTGGGAAGTACTCAGGTCCTGCAGGAAAAAG-3'
Protein context (NP_003631.2, residues 960-980): ECLNLIKDKN[Leu970Met]YNEALKLYSP